The following is an entry in ClinVar:

ClinVar aggregate classification (germline): Benign. Review status: criteria provided, multiple submitters, no conflicts (2 of 4 stars). 2 submissions from 2 submitters: Benign (2). Last evaluated 2020-07-15.

Allele frequency attached by ClinVar (database versions not stated): 1000 Genomes Project 30x 0.34728; 1000 Genomes Project 0.35244; TOPMed 0.36377; gnomAD 0.37003 and 0.37475.

Submissions (2):

GeneDx
Classification: Benign. Last evaluated: 2020-07-15. Review status: criteria provided, single submitter. Criteria: GeneDx Variant Classification Process June 2021. Collection method: clinical testing. Allele origin: germline. Affected: yes.
Comment: This variant is associated with the following publications: (PMID: 31883164, 22504420)

Breakthrough Genomics
Classification: Benign. Review status: criteria provided, single submitter. Criteria: ACMG Guidelines, 2015. Collection method: not provided. Allele origin: germline. Inheritance: Unknown mechanism. Affected: yes.

NM_001009899.4(USF3):c.*3781C>A

Gene: USF3 (upstream transcription factor family member 3; minus strand). Cytogenetic location: 3q13.2.
Variant type: single nucleotide variant.
Coding change: c.*3781C>A on transcript NM_001009899.4 (MANE Select); 3781 bases downstream of the stop codon, C replaced by A.
Molecular consequence: 3 prime UTR variant.
Genome position (GRCh38, 1-based): chr3:113,651,163, G>T on the plus strand (C>A on the coding strand, the complement: USF3 is on the minus strand). VCF-style: chr3-113651163-G-T. GRCh37 (hg19) VCF-style: chr3-113370010-G-T.
Identifiers: ClinVar variation 1279888 (VCV001279888.2), dbSNP rs1026364, ClinGen allele CA11573347.